The following is an entry in ClinVar:

ClinVar aggregate classification (germline): Uncertain significance. Review status: criteria provided, multiple submitters, no conflicts (2 of 4 stars). 2 submissions from 2 submitters: Uncertain significance (2). Last evaluated 2026-02-03.

Conditions:
Autosomal dominant nonsyndromic hearing loss 1. Also called: DEAFNESS, AUTOSOMAL DOMINANT 1, WITH OR WITHOUT THROMBOCYTOPENIA; KONIGSMARK SYNDROME. Identifiers: Orphanet 90635, MedGen C1852282, MONDO:0007424, OMIM 124900.
Progressive microcephaly-seizures-cortical blindness-developmental delay syndrome. Also called: Seizures, cortical blindness, and microcephaly syndrome. Identifiers: Orphanet 477814, MedGen C5567650, MONDO:0014714, OMIM 616632.

Allele frequency attached by ClinVar (database versions not stated): TOPMed 0.00001; gnomAD 0.00001; gnomAD exomes 0.00001.
gnomAD v4.1: 13 of 1,513,202 alleles (0.00086%); highest among the groups gnomAD compares: Non-Finnish European, 0.0012%; no homozygotes.

Submissions (2):

GeneDx
Classification: Uncertain significance. Last evaluated: 2026-02-03. Review status: criteria provided, single submitter. Criteria: GeneDx Variant Classification Process June 2021. Collection method: clinical testing. Allele origin: germline.
Comment: Not observed at significant frequency in large population cohorts (gnomAD); In silico analysis supports that this missense variant has a deleterious effect on protein structure/function; Has not been previously published as pathogenic or benign to our knowledge

Labcorp Genetics (formerly Invitae), Labcorp
Classification: Uncertain significance for Progressive microcephaly-seizures-cortical blindness-developmental delay syndrome; Autosomal dominant nonsyndromic hearing loss 1. Last evaluated: 2024-12-16. Review status: criteria provided, single submitter. Criteria: Invitae Variant Classification Sherloc (09022015). Collection method: clinical testing. Allele origin: germline.
Comment: This sequence change replaces proline, which is neutral and non-polar, with serine, which is neutral and polar, at codon 679 of the DIAPH1 protein (p.Pro679Ser). This variant is not present in population databases (gnomAD no frequency). This variant has not been reported in the literature in individuals affected with DIAPH1-related conditions. ClinVar contains an entry for this variant (Variation ID: 1352490). Experimental studies and prediction algorithms are not available or were not evaluated, and the functional significance of this variant is currently unknown. In summary, the available evidence is currently insufficient to determine the role of this variant in disease. Therefore, it has been classified as a Variant of Uncertain Significance.

NM_005219.5(DIAPH1):c.2035C>T (p.Pro679Ser)

Gene: DIAPH1 (diaphanous related formin 1; minus strand). Cytogenetic location: 5q31.3.
Variant type: single nucleotide variant.
Coding change: c.2035C>T on transcript NM_005219.5 (MANE Select); coding-DNA position 2035, C replaced by T.
Protein change: p.Pro679Ser; replaces proline 679 with serine.
Molecular consequence: missense variant.
Genome position (GRCh38, 1-based): chr5:141,573,815, G>A on the plus strand (C>T on the coding strand, the complement: DIAPH1 is on the minus strand). VCF-style: chr5-141573815-G-A. GRCh37 (hg19) VCF-style: chr5-140953382-G-A.
Other names: c.2035C>T (NM_005219.4); c.2008C>T, p.Pro670Ser (NM_001079812.3); c.2035C>T, p.Pro679Ser (NM_001314007.2); short protein forms P679S, P670S.
Identifiers: ClinVar variation 1352490 (VCV001352490.7), dbSNP rs1455766498, ClinGen allele CA361518929.